The following is an entry in ClinVar:

ClinVar aggregate classification (germline): Uncertain significance (1 of 4 stars; one submission).

Conditions:
Inborn genetic diseases. Identifiers: MedGen C0950123, MeSH D030342.

Submission:

Ambry Genetics
Classification: Uncertain significance for Inborn genetic diseases. Last evaluated: 2025-06-28. Review status: criteria provided, single submitter. Criteria: Ambry Variant Classification Scheme 2023. Collection method: clinical testing. Allele origin: germline.
Comment: The p.P511T variant (also known as c.1531C>A), located in coding exon 1 of the SAMD9L gene, results from a C to A substitution at nucleotide position 1531. The proline at codon 511 is replaced by threonine, an amino acid with highly similar properties. This amino acid position is conserved. In addition, this alteration is predicted to be tolerated by in silico analysis. Based on the available evidence, the clinical significance of this variant remains unclear.

NM_152703.5(SAMD9L):c.1531C>A (p.Pro511Thr)

Gene: SAMD9L (sterile alpha motif domain containing 9 like; minus strand). Cytogenetic location: 7q21.2.
Variant type: single nucleotide variant.
Coding change: c.1531C>A on transcript NM_152703.5 (MANE Select); coding-DNA position 1531, C replaced by A.
Protein change: p.Pro511Thr; replaces proline 511 with threonine.
Molecular consequence: missense variant.
Genome position (GRCh38, 1-based): chr7:93,134,441, G>T on the plus strand (C>A on the coding strand, the complement: SAMD9L is on the minus strand). VCF-style: chr7-93134441-G-T. GRCh37 (hg19) VCF-style: chr7-92763754-G-T.
Other names: c.1531C>A, p.Pro511Thr (NM_001303496.3, NM_001303497.3, NM_001303498.3 and 5 more transcripts); short protein forms P511T.
Identifiers: ClinVar variation 4159279 (VCV004159279.1).
Genomic context (GRCh38, chr7:93,134,441, plus strand): 5'-ATAAAATTAGTTTCCTGACTTCTGAAGCTCTTTCTCTCTGCCATAAATGTGGTTCTAGAG[G>T]TTTATATGTCTCGCTTTTCAGGTCTGATCTGCCGTTGCAGAAAATCCAGCTGGGCTGTTG-3'
Protein context (NP_689916.2, residues 501-521): RSDLKSETYK[Pro511Thr]LEPHLWQRER